The following is an entry in ClinVar:

NM_005560.6(LAMA5):c.5303A>T (p.Asn1768Ile)

Gene: LAMA5 (laminin subunit alpha 5; minus strand). Cytogenetic location: 20q13.33.
Variant type: single nucleotide variant.
Coding change: c.5303A>T on transcript NM_005560.6 (MANE Select); coding-DNA position 5303, A replaced by T.
Protein change: p.Asn1768Ile; replaces asparagine 1768 with isoleucine.
Molecular consequence: missense variant.
Genome position (GRCh38, 1-based): chr20:62,325,542, T>A on the plus strand (A>T on the coding strand, the complement: LAMA5 is on the minus strand). VCF-style: chr20-62325542-T-A. GRCh37 (hg19) VCF-style: chr20-60900598-T-A.
Other names: short protein forms N1768I.
Identifiers: ClinVar variation 3351805 (VCV003351805.1).

ClinVar aggregate classification (germline): Uncertain significance (0 of 4 stars; one submission).

Conditions:
LAMA5-related disorder. Also called: LAMA5-related condition; LAMA5-Related Disorders.

gnomAD v4.1: 46 of 1,604,764 alleles (0.0029%); highest among the groups gnomAD compares: Non-Finnish European, 0.0039%; no homozygotes.

Submission:

PreventionGenetics, part of Exact Sciences
Classification: Uncertain significance for LAMA5-related condition. Last evaluated: 2024-04-08. Review status: no assertion criteria provided. Collection method: clinical testing. Allele origin: germline.
Comment: The LAMA5 c.5303A>T variant is predicted to result in the amino acid substitution p.Asn1768Ile. To our knowledge, this variant has not been reported in the literature. This variant is reported in 0.0037% of alleles in individuals of European (Non-Finnish) descent in gnomAD. At this time, the clinical significance of this variant is uncertain due to the absence of conclusive functional and genetic evidence.